The following is an entry in ClinVar:

ClinVar aggregate classification (germline): Uncertain significance (1 of 4 stars; one submission).

Submission:

CeGaT Center for Human Genetics Tuebingen
Classification: Uncertain significance. Last evaluated: 2026-01-01. Review status: criteria provided, single submitter. Criteria: CeGaT Center For Human Genetics Tuebingen Variant Classification Criteria Version 2. Collection method: clinical testing. Allele origin: germline. Affected: yes. Observed: 1 variant allele.
Comment: IDH2: PM2, PP3

NM_002168.4(IDH2):c.862C>T (p.Arg288Trp)

Gene: IDH2 (isocitrate dehydrogenase (NADP(+)) 2; minus strand). Cytogenetic location: 15q26.1.
Variant type: single nucleotide variant.
Coding change: c.862C>T on transcript NM_002168.4 (MANE Select); coding-DNA position 862, C replaced by T.
Protein change: p.Arg288Trp; replaces arginine 288 with tryptophan.
Molecular consequence: missense variant.
Genome position (GRCh38, 1-based): chr15:90,087,217, G>A on the plus strand (C>T on the coding strand, the complement: IDH2 is on the minus strand). VCF-style: chr15-90087217-G-A. GRCh37 (hg19) VCF-style: chr15-90630449-G-A.
Other names: c.706C>T, p.Arg236Trp (NM_001289910.1); c.472C>T, p.Arg158Trp (NM_001290114.2); short protein forms R158W, R236W, R288W.
Identifiers: ClinVar variation 4821516 (VCV004821516.4).